The following is an entry in ClinVar:

NM_005068.3(SIM1):c.1865C>T (p.Ser622Phe)

Gene: SIM1 (SIM bHLH transcription factor 1; minus strand). Cytogenetic location: 6q16.3.
Variant type: single nucleotide variant.
Coding change: c.1865C>T on transcript NM_005068.3 (MANE Select); coding-DNA position 1865, C replaced by T.
Protein change: p.Ser622Phe; replaces serine 622 with phenylalanine.
Molecular consequence: missense variant.
Genome position (GRCh38, 1-based): chr6:100,390,797, G>A on the plus strand (C>T on the coding strand, the complement: SIM1 is on the minus strand). VCF-style: chr6-100390797-G-A. GRCh37 (hg19) VCF-style: chr6-100838673-G-A.
Other names: c.1865C>T, p.Ser622Phe (NM_001374769.1); short protein forms S622F.
Identifiers: ClinVar variation 904719 (VCV000904719.9), dbSNP rs199543656, ClinGen allele CA3936923.

ClinVar aggregate classification (germline): Uncertain significance. Review status: criteria provided, multiple submitters, no conflicts (2 of 4 stars). 3 submissions from 3 submitters: Uncertain significance (3). Last evaluated 2026-08-18.

Conditions:
SIM1-related disorder. Also called: SIM1-related condition; SIM1-related disorders.
Obesity due to SIM1 deficiency. Identifiers: Orphanet 369873, MedGen C5191050, MONDO:0018244.

Allele frequency attached by ClinVar (database versions not stated): TOPMed 0.00014; ExAC 0.00016; ESP Exome Variant Server 0.00008; gnomAD exomes 0.00010 and 0.00014; gnomAD 0.00011 and 0.00012.
gnomAD v4.1: 156 of 1,614,044 alleles (0.0097%); highest among the groups gnomAD compares: Admixed American, 0.057%; no homozygotes.

Submissions (3):

PreventionGenetics, part of Exact Sciences
Classification: Uncertain significance for SIM1-related condition. Last evaluated: 2026-08-18. Review status: criteria provided, single submitter. Criteria: ACMG Guidelines, 2015. Collection method: clinical testing. Allele origin: germline.
Comment: The SIM1 c.1865C>T variant is predicted to result in the amino acid substitution p.Ser622Phe. This variant has been reported in a lean control individual from an obesity cohort study (Table 2, Zegers et al. 2014. PubMed ID: 24097297). This variant is reported in 0.056% of alleles in individuals of Latino descent in gnomAD, which may be too frequent to be a primary cause of disease. Although we suspect that this variant may be benign, at this time, the clinical significance of this variant is uncertain due to the absence of conclusive functional and genetic evidence.

Labcorp Genetics (formerly Invitae), Labcorp
Classification: Uncertain significance. Last evaluated: 2025-12-23. Review status: criteria provided, single submitter. Criteria: Invitae Variant Classification Sherloc (09022015). Collection method: clinical testing. Allele origin: germline.
Comment: This sequence change replaces serine, which is neutral and polar, with phenylalanine, which is neutral and non-polar, at codon 622 of the SIM1 protein (p.Ser622Phe). This variant is present in population databases (rs199543656, gnomAD 0.06%), and has an allele count higher than expected for a pathogenic variant. This variant has not been reported in the literature in individuals affected with SIM1-related conditions. ClinVar contains an entry for this variant (Variation ID: 904719). An algorithm developed to predict the effect of missense changes on protein structure and function (PolyPhen-2) suggests that this variant is likely to be tolerated. In summary, the available evidence is currently insufficient to determine the role of this variant in disease. Therefore, it has been classified as a Variant of Uncertain Significance.

Illumina Laboratory Services, Illumina
Classification: Uncertain significance for Obesity due to SIM1 deficiency. Last evaluated: 2018-01-13. Review status: criteria provided, single submitter. Criteria: ICSL Variant Classification Criteria 13 December 2019. Collection method: clinical testing. Allele origin: germline.